The following is an entry in ClinVar:

NM_006063.3(KLHL41):c.1531T>C (p.Ser511Pro)

Gene: KLHL41 (kelch like family member 41; plus strand). Cytogenetic location: 2q31.1.
Variant type: single nucleotide variant.
Coding change: c.1531T>C on transcript NM_006063.3 (MANE Select); coding-DNA position 1531, T replaced by C.
Protein change: p.Ser511Pro; replaces serine 511 with proline.
Molecular consequence: missense variant.
Genome position (GRCh38, 1-based): chr2:169,518,344, T>C. VCF-style: chr2-169518344-T-C. GRCh37 (hg19) VCF-style: chr2-170374854-T-C.
Other names: short protein forms S511P.
Identifiers: ClinVar variation 695018 (VCV000695018.2), dbSNP rs1574352719, ClinGen allele CA349179245.

ClinVar aggregate classification (germline): Uncertain significance (1 of 4 stars; one submission).

Conditions:
Nemaline myopathy 9 (NEM9). Identifiers: MedGen C3810384, MONDO:0014326, OMIM 615731.

Submission:

Center of Genomic medicine, Geneva, University Hospital of Geneva
Classification: Uncertain significance for Nemaline myopathy 9. Last evaluated: 2018-12-20. Review status: criteria provided, single submitter. Criteria: ACMG Guidelines, 2015. Collection method: clinical testing. Allele origin: maternal. Affected: yes. Observed: 2 variant alleles.